The following is an entry in ClinVar:

NM_005097.4(LGI1):c.776A>G (p.Lys259Arg)

Gene: LGI1 (leucine rich glioma inactivated 1; plus strand). Cytogenetic location: 10q23.33.
Variant type: single nucleotide variant.
Coding change: c.776A>G on transcript NM_005097.4 (MANE Select); coding-DNA position 776, A replaced by G.
Protein change: p.Lys259Arg; replaces lysine 259 with arginine.
Molecular consequence: missense variant. On other transcripts: non-coding transcript variant (1).
Genome position (GRCh38, 1-based): chr10:93,793,288, A>G. VCF-style: chr10-93793288-A-G. GRCh37 (hg19) VCF-style: chr10-95553045-A-G.
Other names: c.776A>G, p.Lys259Arg (NM_001308275.2); c.632A>G, p.Lys211Arg (NM_001308276.2); short protein forms K211R, K259R.
Identifiers: ClinVar variation 3649154 (VCV003649154.2).

ClinVar aggregate classification (germline): Uncertain significance (1 of 4 stars; one submission).

Conditions:
Autosomal dominant epilepsy with auditory features. Identifiers: Orphanet 101046, MedGen C1838062, MONDO:0010898.

Submission:

Labcorp Genetics (formerly Invitae), Labcorp
Classification: Uncertain significance for Autosomal dominant epilepsy with auditory features. Last evaluated: 2024-04-08. Review status: criteria provided, single submitter. Criteria: Invitae Variant Classification Sherloc (09022015). Collection method: clinical testing. Allele origin: germline.
Comment: This sequence change replaces lysine, which is basic and polar, with arginine, which is basic and polar, at codon 259 of the LGI1 protein (p.Lys259Arg). This variant is not present in population databases (gnomAD no frequency). This variant has not been reported in the literature in individuals affected with LGI1-related conditions. Advanced modeling of protein sequence and biophysical properties (such as structural, functional, and spatial information, amino acid conservation, physicochemical variation, residue mobility, and thermodynamic stability) performed at Invitae indicates that this missense variant is not expected to disrupt LGI1 protein function with a negative predictive value of 80%. In summary, the available evidence is currently insufficient to determine the role of this variant in disease. Therefore, it has been classified as a Variant of Uncertain Significance.